The following is an entry in ClinVar:

ClinVar aggregate classification (germline): Benign. Review status: criteria provided, multiple submitters, no conflicts (2 of 4 stars). 5 submissions from 4 submitters: Benign (5). Last evaluated 2021-10-25.

Conditions:
Muscular dystrophy-dystroglycanopathy (congenital with brain and eye anomalies), type a, 8 (MDDGA8). Also called: WALKER-WARBURG SYNDROME OR MUSCLE-EYE-BRAIN DISEASE, GTDC2-RELATED. Identifiers: Orphanet 899, MedGen C3553813, MONDO:0013904, OMIM 614830.
Muscular dystrophy-dystroglycanopathy (limb-girdle), type C, 8. Also called: MUSCULAR DYSTROPHY, LIMB-GIRDLE, AUTOSOMAL RECESSIVE 24; MUSCULAR DYSTROPHY-DYSTROGLYCANOPATHY, LIMB-GIRDLE, POMGNT2-RELATED. Identifiers: MedGen C4748320, MONDO:0029135, OMIM 618135.

Allele frequency attached by ClinVar (database versions not stated): ESP Exome Variant Server 0.38497; TOPMed 0.43440; 1000 Genomes Project 30x 0.44769; 1000 Genomes Project 0.45248.
gnomAD v4.1: 684,520 of 1,460,022 alleles (47%); highest among the groups gnomAD compares: East Asian, 61%; 163,239 homozygotes.

Submissions (5):

Genome-Nilou Lab
Classification: Benign for Muscular dystrophy-dystroglycanopathy (congenital with brain and eye anomalies), type a, 8. Last evaluated: 2021-10-25. Review status: criteria provided, single submitter. Criteria: ACMG Guidelines, 2015. Collection method: clinical testing. Allele origin: germline. Affected: no.

Genome-Nilou Lab
Classification: Benign for Muscular dystrophy-dystroglycanopathy (limb-girdle), type C, 8. Last evaluated: 2021-10-25. Review status: criteria provided, single submitter. Criteria: ACMG Guidelines, 2015. Collection method: clinical testing. Allele origin: germline. Affected: no.

GeneDx
Classification: Benign. Last evaluated: 2016-01-11. Review status: criteria provided, single submitter. Criteria: GeneDx Variant Classification (06012015). Collection method: clinical testing. Allele origin: germline. Affected: yes.
Comment: This variant is considered likely benign or benign based on one or more of the following criteria: it is a conservative change, it occurs at a poorly conserved position in the protein, it is predicted to be benign by multiple in silico algorithms, and/or has population frequency not consistent with disease.

Breakthrough Genomics
Classification: Benign. Review status: criteria provided, single submitter. Criteria: ACMG Guidelines, 2015. Collection method: not provided. Allele origin: germline. Inheritance: Autosomal recessive inheritance. Affected: yes.

PreventionGenetics, part of Exact Sciences
Classification: Benign. Review status: criteria provided, single submitter. Criteria: ACMG Guidelines, 2015. Collection method: clinical testing. Allele origin: germline.

NM_032806.6(POMGNT2):c.-43C>T

Gene: POMGNT2 (protein O-linked mannose N-acetylglucosaminyltransferase 2 (beta 1,4-); minus strand). Cytogenetic location: 3p22.1.
Variant type: single nucleotide variant.
Coding change: c.-43C>T on transcript NM_032806.6 (MANE Select); 43 bases upstream of the start codon, C replaced by T.
Molecular consequence: 5 prime UTR variant.
Genome position (GRCh38, 1-based): chr3:43,081,474, G>A on the plus strand (C>T on the coding strand, the complement: POMGNT2 is on the minus strand). VCF-style: chr3-43081474-G-A. GRCh37 (hg19) VCF-style: chr3-43122966-G-A.
Identifiers: ClinVar variation 262102 (VCV000262102.5), dbSNP rs2936818, ClinGen allele CA2340192.